The following is an entry in ClinVar:

ClinVar aggregate classification (germline): Pathogenic (1 of 4 stars; one submission).

Conditions:
Emery-Dreifuss muscular dystrophy 4, autosomal dominant (EDMD4). Also called: EMERY-DREIFUSS MUSCULAR DYSTROPHY 4 WITH VARIABLE FEATURES. Identifiers: Orphanet 261, MedGen C2751807, MONDO:0013071, OMIM 612998.
Autosomal recessive ataxia, Beauce type. Also called: Spinocerebellar ataxia, autosomal recessive 8; ATAXIA, RECESSIVE, OF BEAUCE; SYNE1-Related Autosomal Recessive Cerebellar Ataxia; SYNE1 Deficiency. Identifiers: Orphanet 88644, MedGen C1853116, MONDO:0012549, OMIM 610743.

Submission:

Labcorp Genetics (formerly Invitae), Labcorp
Classification: Pathogenic for Emery-Dreifuss muscular dystrophy 4, autosomal dominant; Autosomal recessive ataxia, Beauce type. Last evaluated: 2023-04-22. Review status: criteria provided, single submitter. Criteria: Invitae Variant Classification Sherloc (09022015). Collection method: clinical testing. Allele origin: germline.
Comment: This sequence change creates a premature translational stop signal (p.Ile1065Lysfs*28) in the SYNE1 gene. It is expected to result in an absent or disrupted protein product. Loss-of-function variants in SYNE1 are known to be pathogenic (PMID: 19542096, 24319099, 27086870). This variant is not present in population databases (gnomAD no frequency). This variant has not been reported in the literature in individuals affected with SYNE1-related conditions. For these reasons, this variant has been classified as Pathogenic.

Literature cited by the submitters: PubMed 19542096; PubMed 24319099; PubMed 27086870.

NM_182961.4(SYNE1):c.3173_3176del (p.Ile1058fs)

Gene: SYNE1 (spectrin repeat containing nuclear envelope protein 1; minus strand). Cytogenetic location: 6q25.2.
Variant type: Deletion.
Coding change: c.3173_3176del on transcript NM_182961.4 (MANE Select); coding-DNA positions 3173 to 3176, 4 bases deleted (TTAA; older notation c.3173_3176delTTAA).
Protein change: p.Ile1058fs; shifts the reading frame from isoleucine 1058.
Molecular consequence: frameshift variant.
Genome position (GRCh38, 1-based): chr6:152,451,057-152,451,060, TTAA deleted on the plus strand (TTAA on the coding strand, the reverse complement: SYNE1 is on the minus strand); deleting any 4 consecutive bases within chr6:152,451,057-152,451,063 gives the same sequence; the c. name uses the placement nearest the transcript's 3' end. VCF-style (leftmost placement, unchanged base first): chr6-152451056-TTTAA-T. GRCh37 (hg19) VCF-style: chr6-152772191-TTTAA-T.
Other names: c.3194_3197del, p.Ile1065fs (NM_033071.5); short protein forms I1058fs, I1065fs.
Identifiers: ClinVar variation 2939799 (VCV002939799.3), dbSNP rs2501656603, ClinGen allele CA2740091515.